The following is an entry in ClinVar:

ClinVar aggregate classification (germline): Uncertain significance. Review status: criteria provided, single submitter (1 of 4 stars). 2 submissions from 2 submitters: Uncertain significance (1). 1 of the submissions does not count toward it. Last evaluated 2022-07-10.

Conditions:
Tyrosinemia type I (TYRSN1). Also called: FAH DEFICIENCY; Tyrosinemia type 1; Fumarylacetoacetase deficiency; Deficiency of fumarylacetoacetase; HEPATORENAL TYROSINEMIA. Identifiers: Orphanet 882, MedGen C0268490, MONDO:0010161, OMIM 276700. Disease mechanism: loss of function.

gnomAD v4.1: 1 of 1,613,874 alleles (0.000062%); highest among the groups gnomAD compares: Non-Finnish European, 0.000085%; no homozygotes.

Submissions (2):

Labcorp Genetics (formerly Invitae), Labcorp
Classification: Uncertain significance for Tyrosinemia type I. Last evaluated: 2022-07-10. Review status: criteria provided, single submitter. Criteria: Invitae Variant Classification Sherloc (09022015). Collection method: clinical testing. Allele origin: germline.
Comment: This sequence change replaces glycine, which is neutral and non-polar, with aspartic acid, which is acidic and polar, at codon 20 of the FAH protein (p.Gly20Asp). This variant is not present in population databases (gnomAD no frequency). This variant has not been reported in the literature in individuals affected with FAH-related conditions. Advanced modeling of protein sequence and biophysical properties (such as structural, functional, and spatial information, amino acid conservation, physicochemical variation, residue mobility, and thermodynamic stability) performed at Invitae indicates that this missense variant is expected to disrupt FAH protein function. In summary, the available evidence is currently insufficient to determine the role of this variant in disease. Therefore, it has been classified as a Variant of Uncertain Significance.

Genetics laboratory, Institute of Kidney Diseases & Research Centre Dr. H.L. Trivedi Institute Of Transplantation Sciences
Classification: Likely pathogenic for Tyrosinemia type I. Review status: no assertion criteria provided. Collection method: clinical testing. Allele origin: germline. Inheritance: Autosomal recessive inheritance. Affected: yes. Observed: 1 variant allele, 1 homozygote. Not counted in ClinVar's aggregate classification.

NM_000137.4(FAH):c.59G>A (p.Gly20Asp)

Gene: FAH (fumarylacetoacetate hydrolase; plus strand). Cytogenetic location: 15q25.1.
Variant type: single nucleotide variant.
Coding change: c.59G>A on transcript NM_000137.4 (MANE Select); coding-DNA position 59, G replaced by A.
Protein change: p.Gly20Asp; replaces glycine 20 with aspartic acid.
Molecular consequence: missense variant.
Genome position (GRCh38, 1-based): chr15:80,153,113, G>A. VCF-style: chr15-80153113-G-A. GRCh37 (hg19) VCF-style: chr15-80445455-G-A.
Other names: c.59G>A, p.Gly20Asp (NM_001374377.1, NM_001374380.1); short protein forms G20D.
Identifiers: ClinVar variation 2170717 (VCV002170717.2), dbSNP rs371489046, ClinGen allele CA393615580.
Genomic context (GRCh38, chr15:80,153,113, plus strand): 5'-GCATGTCCTTCATCCCGGTGGCCGAGGATTCCGACTTCCCCATCCACAACCTGCCCTACG[G>A]CGTCTTCTCGACCAGAGGCGACGTGAGCAGTGGGGCTTTGGCGTCCGGGCGCGGGGAGGG-3'
Protein context (NP_000128.1, residues 10-30): SDFPIHNLPY[Gly20Asp]VFSTRGDPRP